The following is an entry in ClinVar:

NM_207111.4(RNF216):c.616A>C (p.Thr206Pro)

Gene: RNF216 (ring finger protein 216; minus strand). Cytogenetic location: 7p22.1.
Variant type: single nucleotide variant.
Coding change: c.616A>C on transcript NM_207111.4 (MANE Select); coding-DNA position 616, A replaced by C.
Protein change: p.Thr206Pro; replaces threonine 206 with proline.
Molecular consequence: missense variant.
Genome position (GRCh38, 1-based): chr7:5,741,401, T>G on the plus strand (A>C on the coding strand, the complement: RNF216 is on the minus strand). VCF-style: chr7-5741401-T-G. GRCh37 (hg19) VCF-style: chr7-5781032-T-G.
Other names: c.445A>C, p.Thr149Pro (NM_001377156.1, NM_207116.3); short protein forms T206P, T149P.
Identifiers: ClinVar variation 2152141 (VCV002152141.4), dbSNP rs925538404, ClinGen allele CA153257722.

ClinVar aggregate classification (germline): Uncertain significance (1 of 4 stars; one submission).

Allele frequency attached by ClinVar (database versions not stated): gnomAD 0.00002.
gnomAD v4.1: 13 of 1,614,072 alleles (0.00081%); highest among the groups gnomAD compares: African/African-American, 0.0027%; no homozygotes.

Submission:

Labcorp Genetics (formerly Invitae), Labcorp
Classification: Uncertain significance. Last evaluated: 2022-06-17. Review status: criteria provided, single submitter. Criteria: Invitae Variant Classification Sherloc (09022015). Collection method: clinical testing. Allele origin: germline.
Comment: In summary, the available evidence is currently insufficient to determine the role of this variant in disease. Therefore, it has been classified as a Variant of Uncertain Significance. Algorithms developed to predict the effect of missense changes on protein structure and function output the following: SIFT: "Tolerated"; PolyPhen-2: "Benign"; Align-GVGD: "Class C0". The proline amino acid residue is found in multiple mammalian species, which suggests that this missense change does not adversely affect protein function. This variant has not been reported in the literature in individuals affected with RNF216-related conditions. This variant is not present in population databases (gnomAD no frequency). This sequence change replaces threonine, which is neutral and polar, with proline, which is neutral and non-polar, at codon 206 of the RNF216 protein (p.Thr206Pro).